The following is an entry in ClinVar:

ClinVar aggregate classification (germline): Likely benign. Review status: criteria provided, single submitter (1 of 4 stars). 2 submissions from 2 submitters: Likely benign (1). 1 of the submissions does not count toward it. Last evaluated 2024-11-18.

Conditions:
FOXD1-related disorder. Also called: FOXD1-related condition.

Submissions (2):

Blueprint Genetics
Classification: Likely benign. Last evaluated: 2024-11-18. Review status: criteria provided, single submitter. Criteria: ACMG Guidelines, 2015. Collection method: clinical testing. Allele origin: germline.

PreventionGenetics, part of Exact Sciences
Classification: Likely benign for FOXD1-related condition. Last evaluated: 2022-05-20. Review status: no assertion criteria provided. Collection method: clinical testing. Allele origin: germline. Not counted in ClinVar's aggregate classification.
Comment: This variant is classified as likely benign based on ACMG/AMP sequence variant interpretation guidelines (Richards et al. 2015 PMID: 25741868, with internal and published modifications).

NM_004472.3(FOXD1):c.1170CTCGCC[4] (p.Pro396_Val397insSerPro)

Gene: FOXD1 (forkhead box D1; minus strand). Cytogenetic location: 5q13.2.
Variant type: Microsatellite.
Coding change: c.1170CTCGCC[4] on transcript NM_004472.3 (MANE Select); four copies in a row of the 6-base unit CTCGCC starting at c.1170; the reference has three copies in a row; one copy, 6 bases duplicated.
Protein change: p.Pro396_Val397insSerPro.
Genome position (GRCh38, 1-based): chr5:73,447,176-73,447,181, GGCGAG duplicated on the plus strand (CTCGCC on the coding strand, the reverse complement: FOXD1 is on the minus strand); duplicating any 6 consecutive bases within chr5:73,447,176-73,447,194 gives the same sequence; the position shown is the placement nearest the transcript's 3' end. VCF-style (leftmost placement, unchanged base first): chr5-73447175-C-CGGCGAG. GRCh37 (hg19) VCF-style: chr5-72743002-C-CGGCGAG.
Identifiers: ClinVar variation 3029712 (VCV003029712.3), dbSNP rs892625814, ClinGen allele CA445095682.